The following is an entry in ClinVar:

NM_001009944.3(PKD1):c.5778dup (p.Asn1927fs)

Gene: PKD1 (polycystin 1, transient receptor potential channel interacting; minus strand). Cytogenetic location: 16p13.3.
Variant type: Duplication.
Coding change: c.5778dup on transcript NM_001009944.3 (MANE Select); coding-DNA position 5778, one base duplicated (C; older notation c.5778dupC).
Protein change: p.Asn1927fs; shifts the reading frame from asparagine 1927.
Molecular consequence: frameshift variant.
Genome position (GRCh38, 1-based): chr16:2,109,389, G duplicated on the plus strand (C on the coding strand, the reverse complement: PKD1 is on the minus strand); the first of 2 consecutive G bases (chr16:2,109,389-2,109,390); duplicating either gives the same sequence. VCF-style (leftmost placement, unchanged base first): chr16-2109388-T-TG. GRCh37 (hg19) VCF-style: chr16-2159389-T-TG.
Other names: c.5778dup, p.Asn1927fs (NM_000296.4); short protein forms N1927fs.
Identifiers: ClinVar variation 5038116 (VCV005038116.1).
Genomic context (GRCh38, chr16:2,109,388, plus strand): 5'-CGTGGTCTCCGACGCGGGGGAAGCTGTGGGAGAAACGGGGCCCGGGGAGCACCTCGGGGT[T>TG]GGCCCCGCCGACCTGCAGGCGGAAGGTGACAGCTGAGCCGGCAGCCAGCAGGATCTGAAA-3'

ClinVar aggregate classification (germline): Pathogenic (1 of 4 stars; one submission).

Conditions:
Polycystic kidney disease, adult type (PKD1). Also called: Polycystic Kidney Disease 1, Autosomal Dominant; POLYCYSTIC KIDNEY DISEASE, ADULT, TYPE I; Polycystic kidney disease 1; Polycystic kidney disease 1, severe; POLYCYSTIC KIDNEY DISEASE 1 WITH OR WITHOUT POLYCYSTIC LIVER DISEASE; Polycystic Kidney, Autosomal Dominant. Identifiers: MedGen C3149841, MONDO:0008263, OMIM 173900.

Submission:

MVZ Medizinische Genetik Mainz
Classification: Pathogenic for Polycystic kidney disease, adult type. Last evaluated: 2026-01-16. Review status: criteria provided, single submitter. Criteria: UK Practice Guidelines For Variant Classification V4 01 2020. Collection method: clinical testing. Allele origin: germline. Inheritance: Autosomal dominant inheritance. Affected: yes. Observed: 1 variant allele.
Comment: ACMG Criteria: PVS1,PM2_SUP,PP4